The following is an entry in ClinVar:

NM_001035.3(RYR2):c.882A>G (p.Pro294=)

Gene: RYR2 (ryanodine receptor 2; plus strand). Cytogenetic location: 1q43.
Variant type: single nucleotide variant.
Coding change: c.882A>G on transcript NM_001035.3 (MANE Select); coding-DNA position 882, A replaced by G.
Protein change: p.Pro294=; no amino-acid change (proline 294 retained).
Molecular consequence: synonymous variant.
Genome position (GRCh38, 1-based): chr1:237,423,125, A>G. VCF-style: chr1-237423125-A-G. GRCh37 (hg19) VCF-style: chr1-237586425-A-G.
Other names: c.882A>G, p.Pro294= (LRG_402t1).
Identifiers: ClinVar variation 532425 (VCV000532425.13), dbSNP rs1553446366, ClinGen allele CA423810801.

ClinVar aggregate classification (germline): Likely benign. Review status: criteria provided, multiple submitters, no conflicts (2 of 4 stars). 4 submissions from 4 submitters: Likely benign (4). Last evaluated 2024-04-09.

Conditions:
Catecholaminergic polymorphic ventricular tachycardia (CVPT). Also called: Catecholamine-induced polymorphic ventricular tachycardia. Identifiers: Orphanet 3286, MedGen C5574922, MONDO:0017990.
Cardiomyopathy (CMYO). Also called: Cardiomyopathies. Identifiers: Orphanet 167848, MedGen C0878544, MONDO:0004994, HP:0001638. Inheritance: Various modes of inheritance.
Catecholaminergic polymorphic ventricular tachycardia 1. Also called: VENTRICULAR TACHYCARDIA, CATECHOLAMINERGIC POLYMORPHIC, 1, WITH OR WITHOUT ATRIAL DYSFUNCTION AND/OR DILATED CARDIOMYOPATHY; RYR2-Related Catecholaminergic Polymorphic Ventricular Tachycardia; VENTRICULAR TACHYCARDIA, STRESS-INDUCED POLYMORPHIC 1. Identifiers: Orphanet 3286, MedGen C1631597, MONDO:0011484, OMIM 604772.
Cardiovascular phenotype. Identifiers: MedGen CN230736.

Allele frequency attached by ClinVar (database versions not stated): gnomAD exomes 0.00002.
gnomAD v4.1: 23 of 1,613,898 alleles (0.0014%); highest among the groups gnomAD compares: Non-Finnish European, 0.0019%; no homozygotes.

Submissions (4):

Labcorp Genetics (formerly Invitae), Labcorp
Classification: Likely benign for Catecholaminergic polymorphic ventricular tachycardia 1. Last evaluated: 2024-04-09. Review status: criteria provided, single submitter. Criteria: Invitae Variant Classification Sherloc (09022015). Collection method: clinical testing. Allele origin: germline.

All of Us Research Program, National Institutes of Health
Classification: Likely benign for Catecholaminergic polymorphic ventricular tachycardia. Last evaluated: 2023-02-22. Review status: criteria provided, single submitter. Criteria: ACMG Guidelines, 2015. Collection method: clinical testing. Allele origin: germline. Inheritance: Autosomal dominant inheritance. Observed: 1 variant allele, 1 heterozygote.
Comment: This study involves interpretation of variants in research participants for the purpose of population health screening. Participant phenotype was not available at the time of variant classification. Additional details can be found in publication PMID: 35346344, PMCID: PMC8962531

Ambry Genetics
Classification: Likely benign for Cardiovascular phenotype. Last evaluated: 2022-05-02. Review status: criteria provided, single submitter. Criteria: Ambry Variant Classification Scheme 2023. Collection method: clinical testing. Allele origin: germline.

Color Diagnostics, LLC DBA Color Health
Classification: Likely benign for Cardiomyopathy. Last evaluated: 2019-04-01. Review status: criteria provided, single submitter. Criteria: ACMG Guidelines, 2015. Collection method: clinical testing. Allele origin: germline.